The following is an entry in ClinVar:

ClinVar aggregate classification (germline): Uncertain significance (1 of 4 stars; one submission).

Submission:

Dasa
Classification: Uncertain significance. Last evaluated: 2025-10-22. Review status: criteria provided, single submitter. Criteria: DASA Assertion Criteria. Collection method: clinical testing. Allele origin: germline.
Comment: NM_002878.4(RAD51D):c.28C>A (p.Pro10Thr) is a missense variant that results in the substitution of proline with threonine. This variant is absent from population databases. The currently available literature and clinical evidence are not sufficient to establish a definitive association between this variant and the reported condition. Therefore, this variant is classified as a variant of uncertain significance.

NM_002878.4(RAD51D):c.28C>A (p.Pro10Thr)

Genes: RAD51D (RAD51 paralog D; minus strand), RAD51L3-RFFL (RAD51L3-RFFL readthrough; minus strand). Cytogenetic location: 17q12.
Variant type: single nucleotide variant.
Coding change: c.28C>A on transcript NM_002878.4 (MANE Select); coding-DNA position 28, C replaced by A.
Protein change: p.Pro10Thr; replaces proline 10 with threonine.
Molecular consequence: missense variant. On other transcripts: non-coding transcript variant (2).
Genome position (GRCh38, 1-based): chr17:35,119,586, G>T on the plus strand (C>A on the coding strand, the complement: RAD51D is on the minus strand). VCF-style: chr17-35119586-G-T. GRCh37 (hg19) VCF-style: chr17-33446605-G-T.
Other names: c.28C>A, p.Pro10Thr (NM_001142571.2, NM_133629.3); short protein forms P10T.
Identifiers: ClinVar variation 5020825 (VCV005020825.1).